The following is an entry in ClinVar:

NM_004946.3(DOCK2):c.1843+7G>A

Gene: DOCK2 (dedicator of cytokinesis 2; plus strand). Cytogenetic location: 5q35.1.
Variant type: single nucleotide variant.
Coding change: c.1843+7G>A on transcript NM_004946.3 (MANE Select); 7 bases into the intron after coding-DNA position 1843, G replaced by A.
Molecular consequence: intron variant.
Genome position (GRCh38, 1-based): chr5:169,714,218, G>A. VCF-style: chr5-169714218-G-A. GRCh37 (hg19) VCF-style: chr5-169141222-G-A.
Identifiers: ClinVar variation 5006868 (VCV005006868.2).

ClinVar aggregate classification (germline): Uncertain significance (1 of 4 stars; one submission).

Conditions:
DOCK2 deficiency. Also called: Immunodeficiency 40. Identifiers: Orphanet 447737, MedGen C4225328, MONDO:0014637, OMIM 616433.

gnomAD v4.1: 23 of 1,603,228 alleles (0.0014%); highest among the groups gnomAD compares: African/African-American, 0.011%; no homozygotes.

Submission:

Juno Genomics, Hangzhou Juno Genomics, Inc
Classification: Uncertain significance for DOCK2 deficiency. Review status: criteria provided, single submitter. Criteria: ACMG Guidelines, 2015. Collection method: clinical testing. Allele origin: germline.
Comment: Absent from controls (or at extremely low frequency if recessive) in Genome Aggregation Database.;Multiple lines of computational evidence support a deleterious effect on the gene or gene product.